The following is an entry in ClinVar:

NM_024426.6(WT1):c.535G>A (p.Ala179Thr)

Genes: WT1 (WT1 transcription factor; minus strand), LOC107982234 (WT1/WT1-AS bi-directional promoter region; plus strand). Cytogenetic location: 11p13.
Variant type: single nucleotide variant.
Coding change: c.535G>A on transcript NM_024426.6 (MANE Select); coding-DNA position 535, G replaced by A.
Protein change: p.Ala179Thr; replaces alanine 179 with threonine.
Molecular consequence: missense variant. On other transcripts: non-coding transcript variant (1).
Genome position (GRCh38, 1-based): chr11:32,434,826, C>T on the plus strand (G>A on the coding strand, the complement: WT1 is on the minus strand). VCF-style: chr11-32434826-C-T. GRCh37 (hg19) VCF-style: chr11-32456372-C-T.
Other names: c.535G>A, p.Ala179Thr (NM_000378.6, NM_024424.5); c.520G>A (NM_024426.4); short protein forms A179T.
Identifiers: ClinVar variation 1476866 (VCV001476866.11), dbSNP rs2133102397, ClinGen allele CA379964748.
Genomic context (GRCh38, chr11:32,434,826, plus strand): 5'-TGGCCTGGCCGGATGACGCCTGGCTGGGCGGAGGAGGACCGAAGGGCCCGTAGCGACAGG[C>T]TCCGGCTGTGCCAGTGAACTGGCCGGAAAAGTGGACAGTGAAGGCGCTCAGGCACTGCTC-3'
Protein context (NP_077744.4, residues 169-189): FSGQFTGTAG[Ala179Thr]CRYGPFGPPP

ClinVar aggregate classification (germline): Uncertain significance. Review status: criteria provided, multiple submitters, no conflicts (2 of 4 stars). 4 submissions from 4 submitters: Uncertain significance (4). Last evaluated 2025-02-08.

Conditions:
Inborn genetic diseases. Identifiers: MedGen C0950123, MeSH D030342.
Frasier syndrome. Identifiers: Orphanet 347, MedGen C0950122, MeSH D052159, MONDO:0007635, OMIM 136680.
Wilms tumor 1 (WT1). Also called: Wilms tumor, somatic. Identifiers: Orphanet 654, MedGen CN033288, MONDO:0008679, OMIM 194070.
11p partial monosomy syndrome (WAGR). Also called: WAGR Complex; WAGR Spectrum Disorder; WAGR syndrome; CHROMOSOME 11p13 DELETION SYNDROME. Identifiers: Orphanet 893, MedGen C0206115, MONDO:0008681, OMIM 194072.
Drash syndrome (DDS). Also called: NEPHROPATHY, WILMS TUMOR, AND GENITAL ANOMALIES; WILMS TUMOR AND PSEUDO- OR TRUE HERMAPHRODITISM. Identifiers: Orphanet 220, MedGen C0950121, MONDO:0008682, OMIM 194080.

gnomAD v4.1: 1 of 1,612,506 alleles (0.000062%); highest among the groups gnomAD compares: Non-Finnish European, 0.000085%; no homozygotes.

Submissions (4):

Ambry Genetics
Classification: Uncertain significance for Inborn genetic diseases. Last evaluated: 2025-02-08. Review status: criteria provided, single submitter. Criteria: Ambry Variant Classification Scheme 2023. Collection method: clinical testing. Allele origin: germline.
Comment: The p.A174T variant (also known as c.520G>A), located in coding exon 1 of the WT1 gene, results from a G to A substitution at nucleotide position 520. The alanine at codon 174 is replaced by threonine, an amino acid with similar properties. This amino acid position is conserved. In addition, the in silico prediction for this alteration is inconclusive. Based on the available evidence, the clinical significance of this variant remains unclear.

Labcorp Genetics (formerly Invitae), Labcorp
Classification: Uncertain significance for Wilms tumor 1; Drash syndrome; 11p partial monosomy syndrome; Frasier syndrome. Last evaluated: 2024-04-29. Review status: criteria provided, single submitter. Criteria: Invitae Variant Classification Sherloc (09022015). Collection method: clinical testing. Allele origin: germline.
Comment: This sequence change replaces alanine, which is neutral and non-polar, with threonine, which is neutral and polar, at codon 174 of the WT1 protein (p.Ala174Thr). This variant is not present in population databases (gnomAD no frequency). This variant has not been reported in the literature in individuals affected with WT1-related conditions. ClinVar contains an entry for this variant (Variation ID: 1476866). An algorithm developed to predict the effect of missense changes on protein structure and function (PolyPhen-2) suggests that this variant is likely to be disruptive. In summary, the available evidence is currently insufficient to determine the role of this variant in disease. Therefore, it has been classified as a Variant of Uncertain Significance.

GeneDx
Classification: Uncertain significance. Last evaluated: 2023-10-25. Review status: criteria provided, single submitter. Criteria: GeneDx Variant Classification Process June 2021. Collection method: clinical testing. Allele origin: germline. Affected: yes.
Comment: Not observed at significant frequency in large population cohorts (gnomAD); In silico analysis supports that this missense variant does not alter protein structure/function; Has not been previously published as pathogenic or benign to our knowledge

Mendelics
Classification: Uncertain significance. Last evaluated: 2022-05-04. Review status: criteria provided, single submitter. Criteria: Mendelics Assertion Criteria 2019. Collection method: clinical testing. Allele origin: germline.